The following is an entry in ClinVar:

NM_005506.4(SCARB2):c.79C>T (p.Arg27Trp)

Gene: SCARB2 (scavenger receptor class B member 2; minus strand). Cytogenetic location: 4q21.1.
Variant type: single nucleotide variant.
Coding change: c.79C>T on transcript NM_005506.4 (MANE Select); coding-DNA position 79, C replaced by T.
Protein change: p.Arg27Trp; replaces arginine 27 with tryptophan.
Molecular consequence: missense variant.
Genome position (GRCh38, 1-based): chr4:76,213,465, G>A on the plus strand (C>T on the coding strand, the complement: SCARB2 is on the minus strand). VCF-style: chr4-76213465-G-A. GRCh37 (hg19) VCF-style: chr4-77134618-G-A.
Other names: c.79C>T, p.Arg27Trp (NM_001204255.2); short protein forms R27W.
Identifiers: ClinVar variation 1470044 (VCV001470044.5), dbSNP rs1466314804, ClinGen allele CA357327874.

ClinVar aggregate classification (germline): Uncertain significance (1 of 4 stars; one submission).

Conditions:
Progressive myoclonic epilepsy. Also called: Familial progressive myoclonic epilepsy; Myoclonus epilepsy; Progressive myoclonus epilepsy; Myoclonic Epilepsies, Progressive. Identifiers: Orphanet 308, Orphanet 98261, MedGen C0751778, MONDO:0020074.

Allele frequency attached by ClinVar (database versions not stated): gnomAD 0.00001; gnomAD exomes 0.00001; TOPMed 0.00001.
gnomAD v4.1: 11 of 1,610,434 alleles (0.00068%); highest among the groups gnomAD compares: Non-Finnish European, 0.00085%; no homozygotes.

Submission:

Labcorp Genetics (formerly Invitae), Labcorp
Classification: Uncertain significance for Progressive myoclonic epilepsy. Last evaluated: 2022-08-19. Review status: criteria provided, single submitter. Criteria: Invitae Variant Classification Sherloc (09022015). Collection method: clinical testing. Allele origin: germline.
Comment: This sequence change replaces arginine, which is basic and polar, with tryptophan, which is neutral and slightly polar, at codon 27 of the SCARB2 protein (p.Arg27Trp). This variant is not present in population databases (gnomAD no frequency). This variant has not been reported in the literature in individuals affected with SCARB2-related conditions. ClinVar contains an entry for this variant (Variation ID: 1470044). Algorithms developed to predict the effect of missense changes on protein structure and function are either unavailable or do not agree on the potential impact of this missense change (SIFT: "Tolerated"; PolyPhen-2: "Probably Damaging"; Align-GVGD: "Class C0"). In summary, the available evidence is currently insufficient to determine the role of this variant in disease. Therefore, it has been classified as a Variant of Uncertain Significance.